The following is an entry in ClinVar:

ClinVar aggregate classification (germline): Uncertain significance. Review status: criteria provided, multiple submitters, no conflicts (2 of 4 stars). 2 submissions from 2 submitters: Uncertain significance (2). Last evaluated 2025-12-18.

Conditions:
Hereditary cancer-predisposing syndrome. Also called: Tumor predisposition; Hereditary Cancer Syndrome; Hereditary neoplastic syndrome; Neoplastic Syndromes, Hereditary. Identifiers: Orphanet 140162, MedGen C0027672, MeSH D009386, MONDO:0015356.

Submissions (2):

Ambry Genetics
Classification: Uncertain significance for Hereditary cancer-predisposing syndrome. Last evaluated: 2025-12-18. Review status: criteria provided, single submitter. Criteria: Ambry Variant Classification Scheme 2023. Collection method: clinical testing. Allele origin: germline.
Comment: The c.-4G>C variant is located in the 5' untranslated region (5&rsquo; UTR) of the VHL gene. This variant results from a G to C substitution 4 bases upstream from the first translated codon. This nucleotide position is well conserved in available vertebrate species. Based on the available evidence, the clinical significance of this variant remains unclear.

Quest Diagnostics Nichols Institute San Juan Capistrano
Classification: Uncertain significance. Last evaluated: 2024-10-12. Review status: criteria provided, single submitter. Criteria: Quest Diagnostics criteria. Collection method: clinical testing. Allele origin: unknown.
Comment: The VHL c.-4G>C variant has not been reported in individuals with VHL-related conditions in the published literature. It also has not been reported in large, multi-ethnic general populations (Genome Aggregation Database). Analysis of this variant using software algorithms for the prediction of the effect of nucleotide changes on splicing yielded predictions that this variant does not affect VHL mRNA splicing. Based on the available information, we are unable to determine the clinical significance of this variant.

NM_000551.4(VHL):c.-4G>C

Gene: VHL (von Hippel-Lindau tumor suppressor; plus strand). Cytogenetic location: 3p25.3.
Variant type: single nucleotide variant.
Coding change: c.-4G>C on transcript NM_000551.4 (MANE Select); 4 bases upstream of the start codon, G replaced by C.
Molecular consequence: 5 prime UTR variant.
Genome position (GRCh38, 1-based): chr3:10,141,844, G>C. VCF-style: chr3-10141844-G-C. GRCh37 (hg19) VCF-style: chr3-10183528-G-C.
Other names: c.-4G>C (NM_001354723.2, NM_198156.3).
Identifiers: ClinVar variation 1744710 (VCV001744710.4), dbSNP rs1388409707, ClinGen allele CA2577505243.